The following is an entry in ClinVar:

NM_000379.4(XDH):c.1406C>T (p.Thr469Ile)

Gene: XDH (xanthine dehydrogenase; minus strand). Cytogenetic location: 2p23.1.
Variant type: single nucleotide variant.
Coding change: c.1406C>T on transcript NM_000379.4 (MANE Select); coding-DNA position 1406, C replaced by T.
Protein change: p.Thr469Ile; replaces threonine 469 with isoleucine.
Molecular consequence: missense variant.
Genome position (GRCh38, 1-based): chr2:31,377,074, G>A on the plus strand (C>T on the coding strand, the complement: XDH is on the minus strand). VCF-style: chr2-31377074-G-A. GRCh37 (hg19) VCF-style: chr2-31599940-G-A.
Other names: short protein forms T469I.
Identifiers: ClinVar variation 2160935 (VCV002160935.4), dbSNP rs1227270148, ClinGen allele CA346507635.

ClinVar aggregate classification (germline): Uncertain significance (1 of 4 stars; one submission).

Conditions:
Xanthinuria type II. Also called: Xanthine dehydrogenase and aldehyde oxidase combined deficiency of; XDH and AOX dual deficiency. Identifiers: Orphanet 3467, Orphanet 93602, MedGen C1863688, MONDO:0011346, OMIM 603592.

Submission:

Labcorp Genetics (formerly Invitae), Labcorp
Classification: Uncertain significance for Xanthinuria type II. Last evaluated: 2022-04-26. Review status: criteria provided, single submitter. Criteria: Invitae Variant Classification Sherloc (09022015). Collection method: clinical testing. Allele origin: germline.
Comment: This sequence change replaces threonine, which is neutral and polar, with isoleucine, which is neutral and non-polar, at codon 469 of the XDH protein (p.Thr469Ile). This variant is not present in population databases (gnomAD no frequency). This variant has not been reported in the literature in individuals affected with XDH-related conditions. Algorithms developed to predict the effect of missense changes on protein structure and function are either unavailable or do not agree on the potential impact of this missense change (SIFT: "Deleterious"; PolyPhen-2: "Possibly Damaging"; Align-GVGD: "Class C0"). In summary, the available evidence is currently insufficient to determine the role of this variant in disease. Therefore, it has been classified as a Variant of Uncertain Significance.